The following is an entry in ClinVar:

NM_144670.6(A2ML1):c.3673T>G (p.Leu1225Val)

Gene: A2ML1 (alpha-2-macroglobulin like 1; plus strand). Cytogenetic location: 12p13.31.
Variant type: single nucleotide variant.
Coding change: c.3673T>G on transcript NM_144670.6 (MANE Select); coding-DNA position 3673, T replaced by G.
Protein change: p.Leu1225Val; replaces leucine 1225 with valine.
Molecular consequence: missense variant.
Genome position (GRCh38, 1-based): chr12:8,863,964, T>G. VCF-style: chr12-8863964-T-G. GRCh37 (hg19) VCF-style: chr12-9016560-T-G.
Other names: c.2200T>G, p.Leu734Val (NM_001282424.3); short protein forms L1225V, L734V.
Identifiers: ClinVar variation 2828647 (VCV002828647.3), dbSNP rs1592150813, ClinGen allele CA383842545.

ClinVar aggregate classification (germline): Uncertain significance (1 of 4 stars; one submission).

Submission:

Labcorp Genetics (formerly Invitae), Labcorp
Classification: Uncertain significance. Last evaluated: 2023-01-15. Review status: criteria provided, single submitter. Criteria: Invitae Variant Classification Sherloc (09022015). Collection method: clinical testing. Allele origin: germline.
Comment: In summary, the available evidence is currently insufficient to determine the role of this variant in disease. Therefore, it has been classified as a Variant of Uncertain Significance. This sequence change replaces leucine, which is neutral and non-polar, with valine, which is neutral and non-polar, at codon 1225 of the A2ML1 protein (p.Leu1225Val). This variant is not present in population databases (gnomAD no frequency). This variant has not been reported in the literature in individuals affected with A2ML1-related conditions. Algorithms developed to predict the effect of missense changes on protein structure and function output the following: SIFT: "Tolerated"; PolyPhen-2: "Probably Damaging"; Align-GVGD: "Class C0". The valine amino acid residue is found in multiple mammalian species, which suggests that this missense change does not adversely affect protein function.